The following is an entry in ClinVar:

NM_001079537.2(TRAPPC6B):c.161A>T (p.Asp54Val)

Gene: TRAPPC6B (trafficking protein particle complex subunit 6B; minus strand). Cytogenetic location: 14q21.1.
Variant type: single nucleotide variant.
Coding change: c.161A>T on transcript NM_001079537.2 (MANE Select); coding-DNA position 161, A replaced by T.
Protein change: p.Asp54Val; replaces aspartic acid 54 with valine.
Molecular consequence: missense variant.
Genome position (GRCh38, 1-based): chr14:39,158,391, T>A on the plus strand (A>T on the coding strand, the complement: TRAPPC6B is on the minus strand). VCF-style: chr14-39158391-T-A. GRCh37 (hg19) VCF-style: chr14-39627595-T-A.
Other names: c.161A>T, p.Asp54Val (NM_177452.4); c.161A>T (NM_001079537.1); short protein forms D54V.
Identifiers: ClinVar variation 2085620 (VCV002085620.3), dbSNP rs147625412, ClinGen allele CA7162832.

ClinVar aggregate classification (germline): Uncertain significance. Review status: criteria provided, multiple submitters, no conflicts (2 of 4 stars). 2 submissions from 2 submitters: Uncertain significance (2). Last evaluated 2025-07-16.

Conditions:
Inborn genetic diseases. Identifiers: MedGen C0950123, MeSH D030342.

Allele frequency attached by ClinVar (database versions not stated): TOPMed 0.00017; 1000 Genomes Project 0.00020; gnomAD exomes 0.00021; gnomAD 0.00023; 1000 Genomes Project 30x 0.00031; ExAC 0.00017; ESP Exome Variant Server 0.00038.
gnomAD v4.1: 330 of 1,584,436 alleles (0.021%); highest among the groups gnomAD compares: Admixed American, 0.029%; no homozygotes.

Submissions (2):

Ambry Genetics
Classification: Uncertain significance for Inborn genetic diseases. Last evaluated: 2025-07-16. Review status: criteria provided, single submitter. Criteria: Ambry Variant Classification Scheme 2023. Collection method: clinical testing. Allele origin: germline.

Labcorp Genetics (formerly Invitae), Labcorp
Classification: Uncertain significance. Last evaluated: 2022-08-01. Review status: criteria provided, single submitter. Criteria: Invitae Variant Classification Sherloc (09022015). Collection method: clinical testing. Allele origin: germline.
Comment: This sequence change replaces aspartic acid, which is acidic and polar, with valine, which is neutral and non-polar, at codon 54 of the TRAPPC6B protein (p.Asp54Val). This variant is present in population databases (rs147625412, gnomAD 0.04%). This variant has not been reported in the literature in individuals affected with TRAPPC6B-related conditions. Algorithms developed to predict the effect of missense changes on protein structure and function are either unavailable or do not agree on the potential impact of this missense change (SIFT: "Deleterious"; PolyPhen-2: "Probably Damaging"; Align-GVGD: "Class C0"). In summary, the available evidence is currently insufficient to determine the role of this variant in disease. Therefore, it has been classified as a Variant of Uncertain Significance.